The following is an entry in ClinVar:

ClinVar aggregate classification (germline): Uncertain significance (1 of 4 stars; one submission).

Submission:

Women's Health and Genetics/Laboratory Corporation of America, LabCorp
Classification: Uncertain significance. Last evaluated: 2025-03-31. Review status: criteria provided, single submitter. Criteria: LabCorp Variant Classification Summary - May 2015. Collection method: clinical testing. Allele origin: germline.
Comment: Variant summary: CYP4V2 c.497_498delinsAA (p.Met166Lys) results in a non-conservative amino acid change in the encoded protein sequence. Three of five in-silico tools predict a damaging effect of the variant on protein function. The c.497_498delinsAA variant was absent from gnomAD. The available data on variant occurrences in the general population are insufficient to allow any conclusion about variant significance. To our knowledge, no occurrence of c.497_498delinsAA in individuals affected with Bietti Crystalline Corneoretinal Dystrophy and no experimental evidence demonstrating its impact on protein function have been reported. No submitters have cited clinical-significance assessments for this variant to ClinVar. Based on the evidence outlined above, the variant was classified as uncertain significance.

NM_207352.4(CYP4V2):c.497_498delinsAA (p.Met166Lys)

Gene: CYP4V2 (cytochrome P450 family 4 subfamily V member 2; plus strand). Cytogenetic location: 4q35.1.
Variant type: Indel.
Coding change: c.497_498delinsAA on transcript NM_207352.4 (MANE Select); coding-DNA positions 497 to 498, TG replaced by AA.
Protein change: p.Met166Lys; replaces methionine 166 with lysine.
Molecular consequence: missense variant.
Genome position (GRCh38, 1-based): chr4:186,197,023-186,197,024, TG replaced by AA. VCF-style: chr4-186197023-TG-AA. GRCh37 (hg19) VCF-style: chr4-187118177-TG-AA.
Other names: short protein forms M166K.
Identifiers: ClinVar variation 3895937 (VCV003895937.1).
Genomic context (GRCh38, chr4:186,197,023, plus strand): 5'-GGAGAAAGATGTTAACACCCACTTTCCATTTTACCATTCTGGAAGATTTCTTAGATATCA[TG>AA]AATGAACAAGCAAATATATTGGTTAAGAAACTTGAAAAACACATTAACCAAGAAGCATTT-3'
Protein context (NP_997235.3, residues 156-176): FTILEDFLDI[Met166Lys]NEQANILVKK